The following is an entry in ClinVar:

NM_001466.4(FZD2):c.673T>C (p.Cys225Arg)

Gene: FZD2 (frizzled class receptor 2; plus strand). Cytogenetic location: 17q21.31.
Variant type: single nucleotide variant.
Coding change: c.673T>C on transcript NM_001466.4 (MANE Select); coding-DNA position 673, T replaced by C.
Protein change: p.Cys225Arg; replaces cysteine 225 with arginine.
Molecular consequence: missense variant.
Genome position (GRCh38, 1-based): chr17:44,558,361, T>C. VCF-style: chr17-44558361-T-C. GRCh37 (hg19) VCF-style: chr17-42635729-T-C.
Other names: short protein forms C225R.
Identifiers: ClinVar variation 5019341 (VCV005019341.2).

ClinVar aggregate classification (germline): Uncertain significance (1 of 4 stars; one submission).

Conditions:
Autosomal dominant omodysplasia. Identifiers: Orphanet 2733, Orphanet 93328, MedGen C2750355, MONDO:0008123, OMIM 164745.

Submission:

Juno Genomics, Hangzhou Juno Genomics, Inc
Classification: Uncertain significance for Autosomal dominant omodysplasia. Review status: criteria provided, single submitter. Criteria: ACMG Guidelines, 2015. Collection method: clinical testing. Allele origin: germline.
Comment: Absent from controls (or at extremely low frequency if recessive) in Genome Aggregation Database.;Missense variant in a gene that has a low rate of benign missense variation.;Multiple lines of computational evidence support a deleterious effect on the gene or gene product.